The following is an entry in ClinVar:

ClinVar aggregate classification (germline): Uncertain significance (1 of 4 stars; one submission).

Allele frequency attached by ClinVar (database versions not stated): gnomAD 0.00001; TOPMed 0.00001; gnomAD exomes 0.00003; ExAC 0.00004.
gnomAD v4.1: 38 of 1,613,026 alleles (0.0024%); highest among the groups gnomAD compares: East Asian, 0.04%; no homozygotes.

Submission:

Labcorp Genetics (formerly Invitae), Labcorp
Classification: Uncertain significance. Last evaluated: 2022-07-16. Review status: criteria provided, single submitter. Criteria: Invitae Variant Classification Sherloc (09022015). Collection method: clinical testing. Allele origin: germline.
Comment: This sequence change replaces arginine, which is basic and polar, with cysteine, which is neutral and slightly polar, at codon 623 of the MTTP protein (p.Arg623Cys). This variant is present in population databases (rs773117131, gnomAD 0.02%). This variant has not been reported in the literature in individuals affected with MTTP-related conditions. Algorithms developed to predict the effect of missense changes on protein structure and function are either unavailable or do not agree on the potential impact of this missense change (SIFT: "Deleterious"; PolyPhen-2: "Probably Damaging"; Align-GVGD: "Class C15"). Algorithms developed to predict the effect of sequence changes on RNA splicing suggest that this variant may disrupt the consensus splice site. In summary, the available evidence is currently insufficient to determine the role of this variant in disease. Therefore, it has been classified as a Variant of Uncertain Significance.

NM_001386140.1(MTTP):c.1867C>T (p.Arg623Cys)

Gene: MTTP (microsomal triglyceride transfer protein; plus strand). Cytogenetic location: 4q23.
Variant type: single nucleotide variant.
Coding change: c.1867C>T on transcript NM_001386140.1 (MANE Select); coding-DNA position 1867, C replaced by T.
Protein change: p.Arg623Cys; replaces arginine 623 with cysteine.
Molecular consequence: missense variant.
Genome position (GRCh38, 1-based): chr4:99,611,240, C>T. VCF-style: chr4-99611240-C-T. GRCh37 (hg19) VCF-style: chr4-100532397-C-T.
Other names: c.1867C>T, p.Arg623Cys (NM_000253.4); c.1618C>T, p.Arg540Cys (NM_001300785.2); short protein forms R540C, R623C.
Identifiers: ClinVar variation 2150087 (VCV002150087.1), dbSNP rs773117131, ClinGen allele CA3022210.